The following is an entry in ClinVar:

NM_004181.5(UCHL1):c.532C>T (p.Arg178Ter)

Gene: UCHL1 (ubiquitin C-terminal hydrolase L1; plus strand). Cytogenetic location: 4p13.
Variant type: single nucleotide variant.
Coding change: c.532C>T on transcript NM_004181.5 (MANE Select); coding-DNA position 532, C replaced by T.
Protein change: p.Arg178Ter; replaces arginine 178 with a stop codon.
Molecular consequence: nonsense.
Genome position (GRCh38, 1-based): chr4:41,264,108, C>T. VCF-style: chr4-41264108-C-T. GRCh37 (hg19) VCF-style: chr4-41266125-C-T.
Other names: c.532C>T (NM_004181.4); short protein forms R178*.
Identifiers: ClinVar variation 1380167 (VCV001380167.8), dbSNP rs2154087267, ClinGen allele CA356733255.

ClinVar aggregate classification (germline): Pathogenic/Likely pathogenic. Review status: criteria provided, multiple submitters, no conflicts (2 of 4 stars). 4 submissions from 4 submitters: Pathogenic (3); Likely pathogenic (1). Last evaluated 2026-09-24.

Conditions:
Spastic paraplegia 79A, autosomal dominant, with ataxia (SPG79A). Also called: Spastic paraplegia 79A, autosomal dominant. Identifiers: MedGen C5774300, MONDO:0859363, OMIM 620221.
Optic neuropathy. Also called: Optic nerve disorder. Identifiers: MedGen C3887709, MONDO:0002135, HP:0001138.

gnomAD v4.1: 1 of 1,614,208 alleles (0.000062%); highest among the groups gnomAD compares: Non-Finnish European, 0.000085%; no homozygotes.

Submissions (4):

Genetics Laboratory, Great Ormond Street Hospital NHS Foundation Trust, North Thames Genomic Laboratory Hub
Classification: Pathogenic for Optic neuropathy. Last evaluated: 2026-09-24. Review status: criteria provided, single submitter. Criteria: ACGS Best Practice Guidelines for Variant Classification in Rare Disease 2024 v1.2. Collection method: clinical testing. Allele origin: germline. Affected: yes.
Comment: PS4_moderate, PM2_moderate, PVS1_very-strong, PP1_supporting

Concord Molecular Medicine Laboratory, Concord Repatriation General Hospital
Classification: Pathogenic for Spastic paraplegia 79A, autosomal dominant, with ataxia. Last evaluated: 2026-02-11. Review status: criteria provided, single submitter. Criteria: ACMG Guidelines, 2015. Collection method: clinical testing. Allele origin: germline. Inheritance: Autosomal dominant inheritance. Affected: yes. Observed: 1 heterozygote.
Comment: Loss of function variants in UCHL1 have been reported to cause autosomal dominant hereditary spastic paraplegia 79A. This variant has been reported in at least two independent families and one individual with autosomal dominant hereditary spastic paraplegia. The variant is present is detected at very low frequency in population database (one heterozygous allele detected, gnomAD v4.1.0).

Labcorp Genetics (formerly Invitae), Labcorp
Classification: Pathogenic. Last evaluated: 2025-06-25. Review status: criteria provided, single submitter. Criteria: Invitae Variant Classification Sherloc (09022015). Collection method: clinical testing. Allele origin: germline.
Comment: This sequence change creates a premature translational stop signal (p.Arg178*) in the UCHL1 gene. It is expected to result in an absent or disrupted protein product. Loss-of-function variants in UCHL1 are known to be pathogenic (PMID: 35986737). This variant is not present in population databases (gnomAD no frequency). This premature translational stop signal has been observed in individual(s) with UCHL1-related conditions (PMID: 35986737). ClinVar contains an entry for this variant (Variation ID: 1380167). For these reasons, this variant has been classified as Pathogenic.

GeneDx
Classification: Likely pathogenic. Last evaluated: 2025-05-09. Review status: criteria provided, single submitter. Criteria: GeneDx Variant Classification Process June 2021. Collection method: clinical testing. Allele origin: germline. Affected: yes.
Comment: Nonsense variant predicted to result in protein truncation, as the last 36 amino acid(s) are lost, and other loss-of-function variants have been reported downstream in HGMD; Not observed at significant frequency in large population cohorts (gnomAD); This variant is associated with the following publications: (PMID: 35986737)

Literature cited by the submitters: PubMed 35986737 (cited by Concord Molecular Medicine Laboratory, Concord Repatriation General Hospital and Labcorp Genetics (formerly Invitae), Labcorp); PubMed 41503587 (cited by Concord Molecular Medicine Laboratory, Concord Repatriation General Hospital).